The following is an entry in ClinVar:

NM_170665.4(ATP2A2):c.445G>A (p.Asp149Asn)

Gene: ATP2A2 (ATPase sarcoplasmic/endoplasmic reticulum Ca2+ transporting 2; plus strand). Cytogenetic location: 12q24.11.
Variant type: single nucleotide variant.
Coding change: c.445G>A on transcript NM_170665.4 (MANE Select); coding-DNA position 445, G replaced by A.
Protein change: p.Asp149Asn; replaces aspartic acid 149 with asparagine.
Molecular consequence: missense variant.
Genome position (GRCh38, 1-based): chr12:110,296,719, G>A. VCF-style: chr12-110296719-G-A. GRCh37 (hg19) VCF-style: chr12-110734524-G-A.
Other names: c.340G>A, p.Asp114Asn (NM_001413013.1); c.445G>A, p.Asp149Asn (NM_001413014.1, NM_001681.4); c.70G>A, p.Asp24Asn (NM_001413015.1); short protein forms D114N, D149N, D24N.
Identifiers: ClinVar variation 3774929 (VCV003774929.1).
Genomic context (GRCh38, chr12:110,296,719, plus strand): 5'-GTGTATCGACAGGACAGAAAGAGTGTGCAGCGGATTAAAGCTAAAGACATAGTTCCTGGT[G>A]ATATTGTAGAAATTGCTGGTGAGTTGAGTTTGTCATTTTTCTTTTATTCTAGATAGTATT-3'
Protein context (NP_733765.1, residues 139-159): RIKAKDIVPG[Asp149Asn]IVEIAVGDKV

ClinVar aggregate classification (germline): Likely pathogenic (1 of 4 stars; one submission).

Submission:

GeneDx
Classification: Likely pathogenic. Last evaluated: 2024-09-30. Review status: criteria provided, single submitter. Criteria: GeneDx Variant Classification Process June 2021. Collection method: clinical testing. Allele origin: germline. Affected: yes.
Comment: Published functional studies demonstrate a damaging effect: reduction in mRNA and protein expression and abolished Ca2+-ATPase activity (PMID: 16766529); Not observed at significant frequency in large population cohorts (gnomAD); Missense variants in this gene are a common cause of disease and they are underrepresented in the general population; In silico analysis supports that this missense variant has a deleterious effect on protein structure/function; This variant is associated with the following publications: (PMID: 16766529, 11231334)